The following is an entry in ClinVar:

ClinVar aggregate classification (germline): Conflicting classifications of pathogenicity. Review status: criteria provided, conflicting classifications (1 of 4 stars). 6 submissions from 6 submitters: Uncertain significance (2); Likely benign (3). 1 of the submissions does not count toward it. Last evaluated 2025-02-28.

Conditions:
RAI1-related disorder. Also called: RAI1-related condition.
Smith-Magenis syndrome (SMS). Also called: CHROMOSOME 17p11.2 DELETION SYNDROME. Identifiers: Orphanet 819, MedGen C0795864, MONDO:0008434, OMIM 182290.
Inborn genetic diseases. Identifiers: MedGen C0950123, MeSH D030342.

gnomAD v4.1: 131 of 1,612,130 alleles (0.0081%); highest among the groups gnomAD compares: Non-Finnish European, 0.011%; 1 homozygote.

Submissions (6):

Ambry Genetics
Classification: Likely benign for Inborn genetic diseases. Last evaluated: 2025-02-28. Review status: criteria provided, single submitter. Criteria: Ambry Variant Classification Scheme 2023. Collection method: clinical testing. Allele origin: germline.

Labcorp Genetics (formerly Invitae), Labcorp
Classification: Likely benign. Last evaluated: 2024-10-24. Review status: criteria provided, single submitter. Criteria: Invitae Variant Classification Sherloc (09022015). Collection method: clinical testing. Allele origin: germline.

Blueprint Genetics
Classification: Likely benign. Last evaluated: 2024-10-22. Review status: criteria provided, single submitter. Criteria: ACMG Guidelines, 2015. Collection method: clinical testing. Allele origin: germline.

Department of Pathology and Laboratory Medicine, Sinai Health System
Classification: Uncertain significance for Smith-Magenis syndrome. Last evaluated: 2023-09-26. Review status: criteria provided, single submitter. Criteria: ACMG Guidelines, 2015. Collection method: research. Allele origin: germline.

Provincial Medical Genetics Program of British Columbia, University of British Columbia
Classification: Uncertain significance for Smith-Magenis syndrome. Last evaluated: 2022-01-01. Review status: criteria provided, single submitter. Criteria: ACMG Guidelines, 2015. Collection method: clinical testing. Allele origin: germline. Affected: yes.

PreventionGenetics, part of Exact Sciences
Classification: Likely benign for RAI1-related condition. Last evaluated: 2024-03-05. Review status: no assertion criteria provided. Collection method: clinical testing. Allele origin: germline. Not counted in ClinVar's aggregate classification.
Comment: This variant is classified as likely benign based on ACMG/AMP sequence variant interpretation guidelines (Richards et al. 2015 PMID: 25741868, with internal and published modifications).

NM_030665.4(RAI1):c.3660T>A (p.His1220Gln)

Gene: RAI1 (retinoic acid induced 1; plus strand). Cytogenetic location: 17p11.2.
Variant type: single nucleotide variant.
Coding change: c.3660T>A on transcript NM_030665.4 (MANE Select); coding-DNA position 3660, T replaced by A.
Protein change: p.His1220Gln; replaces histidine 1220 with glutamine.
Molecular consequence: missense variant.
Genome position (GRCh38, 1-based): chr17:17,796,608, T>A. VCF-style: chr17-17796608-T-A. GRCh37 (hg19) VCF-style: chr17-17699922-T-A.
Other names: short protein forms H1220Q.
Identifiers: ClinVar variation 1374961 (VCV001374961.11), dbSNP rs745379131, ClinGen allele CA8418773.
Genomic context (GRCh38, chr17:17,796,608, plus strand): 5'-CCAGCGGGCAAGGGTCCCCAAACCTGGTGCAGGCAGCAAGCTCTCTGACCGGCCCCTCCA[T>A]GCGCTCAAAAGGAAGTCGGCCTTCATGGCGCCGGTCCCCACCAAGAAGCGGAACCTGGTC-3'
Protein context (NP_109590.3, residues 1210-1230): AGSKLSDRPL[His1220Gln]ALKRKSAFMA